The following is an entry in ClinVar:

NM_203486.3(DLL3):c.1585C>T (p.Leu529=)

Genes: DLL3 (delta like canonical Notch ligand 3; plus strand), LOC130064419 (ATAC-STARR-seq lymphoblastoid silent region 10610; plus strand). Cytogenetic location: 19q13.2.
Variant type: single nucleotide variant.
Coding change: c.1585C>T on transcript NM_203486.3 (MANE Select); coding-DNA position 1585, C replaced by T.
Protein change: p.Leu529=; no amino-acid change (leucine 529 retained).
Molecular consequence: synonymous variant.
Genome position (GRCh38, 1-based): chr19:39,507,530, C>T. VCF-style: chr19-39507530-C-T. GRCh37 (hg19) VCF-style: chr19-39998170-C-T.
Other names: c.1585C>T (NM_016941.3); c.1585C>T, p.Leu529= (NM_016941.4).
Identifiers: ClinVar variation 1564385 (VCV001564385.12), dbSNP rs1055331, ClinGen allele CA9432476.

ClinVar aggregate classification (germline): Likely benign. Review status: criteria provided, single submitter (1 of 4 stars). 2 submissions from 2 submitters: Likely benign (1). 1 of the submissions does not count toward it. Last evaluated 2023-03-02.

Conditions:
DLL3-related disorder. Also called: DLL3-related condition.

Allele frequency attached by ClinVar (database versions not stated): gnomAD exomes below 0.00001; gnomAD 0.00001; ExAC 0.00002; 1000 Genomes Project 0.00060; 1000 Genomes Project 30x 0.00062.
gnomAD v4.1: 8 of 1,605,182 alleles (0.0005%); highest among the groups gnomAD compares: Admixed American, 0.012%; no homozygotes.

Submissions (2):

Labcorp Genetics (formerly Invitae), Labcorp
Classification: Likely benign. Last evaluated: 2023-03-02. Review status: criteria provided, single submitter. Criteria: Invitae Variant Classification Sherloc (09022015). Collection method: clinical testing. Allele origin: germline.

PreventionGenetics, part of Exact Sciences
Classification: Likely benign for DLL3-related condition. Last evaluated: 2019-07-15. Review status: no assertion criteria provided. Collection method: clinical testing. Allele origin: germline. Not counted in ClinVar's aggregate classification.
Comment: This variant is classified as likely benign based on ACMG/AMP sequence variant interpretation guidelines (Richards et al. 2015 PMID: 25741868, with internal and published modifications).